The following is an entry in ClinVar:

ClinVar aggregate classification (germline): Uncertain significance. Review status: criteria provided, multiple submitters, no conflicts (2 of 4 stars). 2 submissions from 2 submitters: Uncertain significance (2). Last evaluated 2022-05-22.

Conditions:
Sorsby fundus dystrophy (SFD). Also called: MACULAR DYSTROPHY, HEMORRHAGIC; Sorsby fundus dystrophy, Lavia type; FUNDUS DYSTROPHY, PSEUDOINFLAMMATORY, OF SORSBY. Identifiers: Orphanet 59181, MedGen C1850938, MONDO:0007640, OMIM 136900.

Submissions (2):

3billion
Classification: Uncertain significance for Sorsby fundus dystrophy. Last evaluated: 2022-05-22. Review status: criteria provided, single submitter. Criteria: ACMG Guidelines, 2015. Collection method: clinical testing. Allele origin: germline. Affected: yes. Observed: 1 heterozygote.
Comment: The variant is not observed in the gnomAD v2.1.1 dataset. The variant has been observed in at least two similarly affected unrelated individuals (3billion dataset). Therefore, this variant is classified as uncertain significanceaccording to the recommendation of ACMG/AMP guideline.

Blueprint Genetics
Classification: Uncertain significance. Last evaluated: 2021-08-18. Review status: criteria provided, single submitter. Criteria: ACMG Guidelines, 2015. Collection method: clinical testing. Allele origin: germline.

NM_000362.5(TIMP3):c.454_455insGTA (p.Tyr152delinsCysAsn)

Genes: SYN3 (synapsin III; minus strand), TIMP3 (TIMP metallopeptidase inhibitor 3; plus strand). Cytogenetic location: 22q12.3.
Variant type: Insertion.
Coding change: c.454_455insGTA on transcript NM_000362.5 (MANE Select); coding-DNA positions 454 to 455, GTA inserted.
Protein change: p.Tyr152delinsCysAsn.
Molecular consequence: inframe indel. On other transcripts: intron variant (7).
Genome position: GRCh38 VCF-style: chr22-32859195-T-TGTA. GRCh37 (hg19) VCF-style: chr22-33255182-T-TGTA.
Other names: c.708+5719_708+5720insTAC (NM_001369909.1, NM_001135774.2, NM_001369910.1); c.711+5719_711+5720insTAC (NM_001369907.1, NM_003490.4, NM_001369908.1 and 1 more transcripts).
Identifiers: ClinVar variation 1687491 (VCV001687491.2), dbSNP rs2146296204, ClinGen allele CA2573158069.